The following is an entry in ClinVar:

ClinVar aggregate classification (germline): Uncertain significance (1 of 4 stars; one submission).

Conditions:
Charcot-Marie-Tooth disease type 2E (CMT2E). Also called: CHARCOT-MARIE-TOOTH NEUROPATHY, TYPE 2E; CHARCOT-MARIE-TOOTH DISEASE, AXONAL, TYPE 2E. Identifiers: Orphanet 99939, MedGen C1843225, MONDO:0011894, OMIM 607684.

Allele frequency attached by ClinVar (database versions not stated): TOPMed below 0.00001; gnomAD 0.00001.
gnomAD v4.1: 1 of 1,603,380 alleles (0.000062%); highest among the groups gnomAD compares: African/African-American, 0.0013%; no homozygotes.

Submission:

Labcorp Genetics (formerly Invitae), Labcorp
Classification: Uncertain significance for Charcot-Marie-Tooth disease type 2E. Last evaluated: 2019-08-28. Review status: criteria provided, single submitter. Criteria: Invitae Variant Classification Sherloc (09022015). Collection method: clinical testing. Allele origin: germline.
Comment: Algorithms developed to predict the effect of missense changes on protein structure and function are either unavailable or do not agree on the potential impact of this missense change (SIFT: "Deleterious"; PolyPhen-2: "Not Available"; Align-GVGD: "Class C25). In summary, the available evidence is currently insufficient to determine the role of this variant in disease. Therefore, it has been classified as a Variant of Uncertain Significance. This variant has not been reported in the literature in individuals with NEFL-related disease. This variant is not present in population databases (ExAC no frequency). This sequence change replaces arginine with leucine at codon 177 of the NEFL protein (p.Arg177Leu). The arginine residue is highly conserved and there is a moderate physicochemical difference between arginine and leucine.

NM_006158.5(NEFL):c.530G>T (p.Arg177Leu)

Gene: NEFL (neurofilament light chain; minus strand). Cytogenetic location: 8p21.2.
Variant type: single nucleotide variant.
Coding change: c.530G>T on transcript NM_006158.5 (MANE Select); coding-DNA position 530, G replaced by T.
Protein change: p.Arg177Leu; replaces arginine 177 with leucine.
Molecular consequence: missense variant.
Genome position (GRCh38, 1-based): chr8:24,955,986, C>A on the plus strand (G>T on the coding strand, the complement: NEFL is on the minus strand). VCF-style: chr8-24955986-C-A. GRCh37 (hg19) VCF-style: chr8-24813500-C-A.
Other names: short protein forms R177L.
Identifiers: ClinVar variation 567982 (VCV000567982.6), dbSNP rs1450236716, ClinGen allele CA370622193.
Genomic context (GRCh38, chr8:24,955,986, plus strand): 5'-TTGCGCGCTTCCATCAGCCGGCCCTCGGCGTCCTCGCGGCTCAGCACCTCCTCTTCATAG[C>A]GCGCCTGCAGGTTGCGCAGGGTCTCCTCCAGCCCTTCGCGCTCGCCCTGGAGCGCCTGCT-3'
Protein context (NP_006149.2, residues 167-187): LEETLRNLQA[Arg177Leu]YEEEVLSRED